The following is an entry in ClinVar:

NM_001165963.4(SCN1A):c.1801A>T (p.Asn601Tyr)

Gene: SCN1A (sodium voltage-gated channel alpha subunit 1; minus strand). Cytogenetic location: 2q24.3.
Variant type: single nucleotide variant.
Coding change: c.1801A>T on transcript NM_001165963.4 (MANE Select); coding-DNA position 1801, A replaced by T.
Protein change: p.Asn601Tyr; replaces asparagine 601 with tyrosine.
Molecular consequence: missense variant. On other transcripts: 5 prime UTR variant (1), non-coding transcript variant (1).
Genome position (GRCh38, 1-based): chr2:166,043,911, T>A on the plus strand (A>T on the coding strand, the complement: SCN1A is on the minus strand). VCF-style: chr2-166043911-T-A. GRCh37 (hg19) VCF-style: chr2-166900421-T-A.
Other names: c.1801A>T, p.Asn601Tyr (NM_001165964.3, NM_001202435.3, NM_001353948.2 and 7 more transcripts); c.1798A>T, p.Asn600Tyr (NM_001353954.2, NM_001353955.2, NM_001353960.2); c.-625A>T (NM_001353961.2); short protein forms N600Y, N601Y.
Identifiers: ClinVar variation 3364403 (VCV003364403.1).

ClinVar aggregate classification (germline): Uncertain significance (1 of 4 stars; one submission).

gnomAD v4.1: 8 of 1,614,170 alleles (0.0005%); highest among the groups gnomAD compares: Non-Finnish European, 0.00059%; no homozygotes.

Submission:

GeneDx
Classification: Uncertain significance. Last evaluated: 2023-11-18. Review status: criteria provided, single submitter. Criteria: GeneDx Variant Classification Process June 2021. Collection method: clinical testing. Allele origin: germline. Affected: yes.
Comment: Not observed at significant frequency in large population cohorts (gnomAD); In silico analysis supports that this missense variant has a deleterious effect on protein structure/function; Missense variants in this gene are a common cause of disease and they are underrepresented in the general population; This substitution is predicted to be in the cytoplasmic loop between the first and second homologous domains; Has not been previously published as pathogenic or benign to our knowledge